The following is an entry in ClinVar:

NM_004360.5(CDH1):c.1703C>T (p.Thr568Ile)

Gene: CDH1 (cadherin 1; plus strand). Cytogenetic location: 16q22.1.
Variant type: single nucleotide variant.
Coding change: c.1703C>T on transcript NM_004360.5 (MANE Select); coding-DNA position 1703, C replaced by T.
Protein change: p.Thr568Ile; replaces threonine 568 with isoleucine.
Molecular consequence: missense variant. On other transcripts: intron variant (1).
Genome position (GRCh38, 1-based): chr16:68,819,417, C>T. VCF-style: chr16-68819417-C-T. GRCh37 (hg19) VCF-style: chr16-68853320-C-T.
Other names: c.1703C>T (LRG_301t1, NM_004360.4); c.1520C>T, p.Thr507Ile (NM_001317184.2); c.155C>T, p.Thr52Ile (NM_001317185.2); c.-254-2584C>T (NM_001317186.2); short protein forms T568I, T507I, T52I.
Identifiers: ClinVar variation 186125 (VCV000186125.18), dbSNP rs786202712, ClinGen allele CA193926.

ClinVar aggregate classification (germline): Uncertain significance. Review status: criteria provided, multiple submitters, no conflicts (2 of 4 stars). 4 submissions from 4 submitters: Uncertain significance (4). Last evaluated 2025-06-20.

Conditions:
Hereditary cancer-predisposing syndrome. Also called: Hereditary Cancer Syndrome; Neoplastic Syndromes, Hereditary; Tumor predisposition; Hereditary neoplastic syndrome. Identifiers: Orphanet 140162, MedGen C0027672, MeSH D009386, MONDO:0015356.
Hereditary diffuse gastric adenocarcinoma (HDGC). Also called: DIFFUSE GASTRIC AND LOBULAR BREAST CANCER SYNDROME. Identifiers: Orphanet 26106, MedGen C1708349, MONDO:0007648, OMIM 137215.

Submissions (4):

Ambry Genetics
Classification: Uncertain significance for Hereditary cancer-predisposing syndrome. Last evaluated: 2025-06-20. Review status: criteria provided, single submitter. Criteria: Ambry Variant Classification Scheme 2023. Collection method: clinical testing. Allele origin: germline.
Comment: The p.T568I variant (also known as c.1703C>T), located in coding exon 11 of the CDH1 gene, results from a C to T substitution at nucleotide position 1703. The threonine at codon 568 is replaced by isoleucine, an amino acid with similar properties. This amino acid position is not well conserved in available vertebrate species. In addition, this alteration is predicted to be tolerated by in silico analysis. RNA studies have demonstrated that this alteration results in an incomplete splice defect; the clinical impact of this abnormal splicing is unknown at this time (Ambry internal data). Based on the available evidence, the clinical significance of this variant remains unclear.

Quest Diagnostics Nichols Institute San Juan Capistrano
Classification: Uncertain significance. Last evaluated: 2024-11-08. Review status: criteria provided, single submitter. Criteria: Quest Diagnostics criteria. Collection method: clinical testing. Allele origin: unknown.
Comment: The CDH1 c.1703C>T (p.Thr568Ile) variant has not been reported in individuals with CDH1-related conditions in the published literature. It also has not been reported in large, multi-ethnic general populations (Genome Aggregation Database). Analysis of this variant using bioinformatics tools for the prediction of the effect of amino acid changes on protein structure and function yielded predictions that this variant is benign. Based on the available information, we are unable to determine the clinical significance of this variant.

Labcorp Genetics (formerly Invitae), Labcorp
Classification: Uncertain significance for Hereditary diffuse gastric adenocarcinoma. Last evaluated: 2024-04-10. Review status: criteria provided, single submitter. Criteria: Invitae Variant Classification Sherloc (09022015). Collection method: clinical testing. Allele origin: germline.
Comment: This sequence change replaces threonine, which is neutral and polar, with isoleucine, which is neutral and non-polar, at codon 568 of the CDH1 protein (p.Thr568Ile). This variant is not present in population databases (gnomAD no frequency). This variant has not been reported in the literature in individuals affected with CDH1-related conditions. ClinVar contains an entry for this variant (Variation ID: 186125). Algorithms developed to predict the effect of missense changes on protein structure and function output the following: SIFT: "Not Available"; PolyPhen-2: "Benign"; Align-GVGD: "Not Available". The isoleucine amino acid residue is found in multiple mammalian species, which suggests that this missense change does not adversely affect protein function. In summary, the available evidence is currently insufficient to determine the role of this variant in disease. Therefore, it has been classified as a Variant of Uncertain Significance.

GeneDx
Classification: Uncertain significance. Last evaluated: 2020-02-25. Review status: criteria provided, single submitter. Criteria: GeneDx Variant Classification Process June 2021. Collection method: clinical testing. Allele origin: germline. Affected: yes.
Comment: Not observed in large population cohorts (Lek 2016); In silico analysis supports that this missense variant does not alter protein structure/function; Has not been previously published as pathogenic or benign to our knowledge